The following is an entry in ClinVar:

ClinVar aggregate classification (germline): Uncertain significance. Review status: criteria provided, multiple submitters, no conflicts (2 of 4 stars). 2 submissions from 2 submitters: Uncertain significance (2). Last evaluated 2025-08-13.

Conditions:
Chédiak-Higashi syndrome (CHS). Also called: Chediak-Higashi Syndrome. Identifiers: Orphanet 167, MedGen C0007965, MONDO:0008963, OMIM 214500.

Allele frequency attached by ClinVar (database versions not stated): gnomAD exomes below 0.00001.
gnomAD v4.1: 5 of 1,613,708 alleles (0.00031%); highest among the groups gnomAD compares: Non-Finnish European, 0.00034%; no homozygotes.

Submissions (2):

Dasa
Classification: Uncertain significance. Last evaluated: 2025-08-13. Review status: criteria provided, single submitter. Criteria: DASA Assertion Criteria. Collection method: clinical testing. Allele origin: germline.
Comment: NM_000081.4(LYST):c.4676C>T (p.Thr1559Ile) is a missense variant that results in the substitution of threonine with isoleucine. This variant is rare in population databases. Computational prediction algorithms are consistent with a benign effect. The currently available literature and clinical evidence are not sufficient to establish a definitive association between this variant and the reported condition. Therefore, this variant is classified as a variant of uncertain significance.

Labcorp Genetics (formerly Invitae), Labcorp
Classification: Uncertain significance for Chédiak-Higashi syndrome. Last evaluated: 2024-12-02. Review status: criteria provided, single submitter. Criteria: Invitae Variant Classification Sherloc (09022015). Collection method: clinical testing. Allele origin: germline.
Comment: This sequence change replaces threonine, which is neutral and polar, with isoleucine, which is neutral and non-polar, at codon 1559 of the LYST protein (p.Thr1559Ile). This variant is not present in population databases (gnomAD no frequency). This variant has not been reported in the literature in individuals affected with LYST-related conditions. ClinVar contains an entry for this variant (Variation ID: 2101285). Invitae Evidence Modeling of protein sequence and biophysical properties (such as structural, functional, and spatial information, amino acid conservation, physicochemical variation, residue mobility, and thermodynamic stability) indicates that this missense variant is not expected to disrupt LYST protein function with a negative predictive value of 80%. In summary, the available evidence is currently insufficient to determine the role of this variant in disease. Therefore, it has been classified as a Variant of Uncertain Significance.

NM_000081.4(LYST):c.4676C>T (p.Thr1559Ile)

Gene: LYST (lysosomal trafficking regulator; minus strand). Cytogenetic location: 1q42.3.
Variant type: single nucleotide variant.
Coding change: c.4676C>T on transcript NM_000081.4 (MANE Select); coding-DNA position 4676, C replaced by T.
Protein change: p.Thr1559Ile; replaces threonine 1559 with isoleucine.
Molecular consequence: missense variant.
Genome position (GRCh38, 1-based): chr1:235,788,713, G>A on the plus strand (C>T on the coding strand, the complement: LYST is on the minus strand). VCF-style: chr1-235788713-G-A. GRCh37 (hg19) VCF-style: chr1-235952013-G-A.
Other names: c.4676C>T, p.Thr1559Ile (NM_001301365.1); short protein forms T1559I.
Identifiers: ClinVar variation 2101285 (VCV002101285.5), dbSNP rs1297201843, ClinGen allele CA344958015.
Genomic context (GRCh38, chr1:235,788,713, plus strand): 5'-TTATTTAAATACATTATCTATTCATGGGAGGCTGAGGATAATCAATACCGAAAGATAAGA[G>A]TGGCATTGTGGGGATCAGCCCACACTTGGATCATCAACGCTTTGGATCCCAGTGAAATTA-3'
Protein context (NP_000072.2, residues 1549-1569): IQVWADPHNA[Thr1559Ile]LIFRVCMDSN